The following is an entry in ClinVar:

ClinVar aggregate classification (germline): Likely benign (1 of 4 stars; one submission).

gnomAD v4.1: 2 of 1,599,708 alleles (0.00013%); highest among the groups gnomAD compares: Admixed American, 0.0017%; no homozygotes.

Submission:

CeGaT Center for Human Genetics Tuebingen
Classification: Likely benign. Last evaluated: 2024-12-01. Review status: criteria provided, single submitter. Criteria: CeGaT Center For Human Genetics Tuebingen Variant Classification Criteria Version 2. Collection method: clinical testing. Allele origin: germline. Affected: yes. Observed: 1 variant allele.
Comment: MN1: BP4, BP7

NM_002430.3(MN1):c.1578G>A (p.Gln526=)

Gene: MN1 (MN1 proto-oncogene, transcriptional regulator; minus strand). Cytogenetic location: 22q12.1.
Variant type: single nucleotide variant.
Coding change: c.1578G>A on transcript NM_002430.3 (MANE Select); coding-DNA position 1578, G replaced by A.
Protein change: p.Gln526=; no amino-acid change (glutamine 526 retained).
Molecular consequence: synonymous variant.
Genome position (GRCh38, 1-based): chr22:27,798,966, C>T on the plus strand (G>A on the coding strand, the complement: MN1 is on the minus strand). VCF-style: chr22-27798966-C-T. GRCh37 (hg19) VCF-style: chr22-28194954-C-T.
Identifiers: ClinVar variation 3770535 (VCV003770535.13).